The following is an entry in ClinVar:

NM_001384732.1(CPLANE1):c.6456C>T (p.Asn2152=)

Gene: CPLANE1 (ciliogenesis and planar polarity effector complex subunit 1; minus strand). Cytogenetic location: 5p13.2.
Variant type: single nucleotide variant.
Coding change: c.6456C>T on transcript NM_001384732.1 (MANE Select); coding-DNA position 6456, C replaced by T.
Protein change: p.Asn2152=; no amino-acid change (asparagine 2152 retained).
Molecular consequence: synonymous variant.
Genome position (GRCh38, 1-based): chr5:37,170,047, G>A on the plus strand (C>T on the coding strand, the complement: CPLANE1 is on the minus strand). VCF-style: chr5-37170047-G-A. GRCh37 (hg19) VCF-style: chr5-37170149-G-A.
Other names: c.6456C>T, p.Asn2152= (NM_023073.4).
Identifiers: ClinVar variation 353442 (VCV000353442.19), dbSNP rs186460995, ClinGen allele CA3238259.

ClinVar aggregate classification (germline): Conflicting classifications of pathogenicity. Review status: criteria provided, conflicting classifications (1 of 4 stars). 3 submissions from 3 submitters: Uncertain significance (1); Benign (1); Likely benign (1). Last evaluated 2026-02-01.

Conditions:
Joubert syndrome 17 (JBTS17). Identifiers: Orphanet 475, MedGen C3553264, MONDO:0013824, OMIM 614615.

Allele frequency attached by ClinVar (database versions not stated): TOPMed 0.00006; ESP Exome Variant Server 0.00015; 1000 Genomes Project 30x 0.00016; 1000 Genomes Project 0.00020; ExAC 0.00169.
gnomAD v4.1: 1,583 of 1,613,644 alleles (0.098%); highest among the groups gnomAD compares: Non-Finnish European, 0.011%; 17 homozygotes.

Submissions (3):

Labcorp Genetics (formerly Invitae), Labcorp
Classification: Benign. Last evaluated: 2026-02-01. Review status: criteria provided, single submitter. Criteria: Invitae Variant Classification Sherloc (09022015). Collection method: clinical testing. Allele origin: germline.

CeGaT Center for Human Genetics Tuebingen
Classification: Likely benign. Last evaluated: 2025-09-01. Review status: criteria provided, single submitter. Criteria: CeGaT Center For Human Genetics Tuebingen Variant Classification Criteria Version 2. Collection method: clinical testing. Allele origin: germline. Affected: yes. Observed: 1 variant allele.
Comment: CPLANE1: BP4, BP7

Illumina Laboratory Services, Illumina
Classification: Uncertain significance for Joubert syndrome 17. Last evaluated: 2018-01-13. Review status: criteria provided, single submitter. Criteria: ICSL Variant Classification Criteria 13 December 2019. Collection method: clinical testing. Allele origin: germline.